The following is an entry in ClinVar:

NM_000081.4(LYST):c.1538A>G (p.His513Arg)

Gene: LYST (lysosomal trafficking regulator; minus strand). Cytogenetic location: 1q42.3.
Variant type: single nucleotide variant.
Coding change: c.1538A>G on transcript NM_000081.4 (MANE Select); coding-DNA position 1538, A replaced by G.
Protein change: p.His513Arg; replaces histidine 513 with arginine.
Molecular consequence: missense variant.
Genome position (GRCh38, 1-based): chr1:235,809,280, T>C on the plus strand (A>G on the coding strand, the complement: LYST is on the minus strand). VCF-style: chr1-235809280-T-C. GRCh37 (hg19) VCF-style: chr1-235972580-T-C.
Other names: c.1538A>G, p.His513Arg (NM_001301365.1); short protein forms H513R.
Identifiers: ClinVar variation 1899251 (VCV001899251.2), dbSNP rs181191579, ClinGen allele CA1467453.

ClinVar aggregate classification (germline): Uncertain significance (1 of 4 stars; one submission).

Conditions:
Chédiak-Higashi syndrome (CHS). Also called: Chediak-Higashi Syndrome. Identifiers: Orphanet 167, MedGen C0007965, MONDO:0008963, OMIM 214500.

Allele frequency attached by ClinVar (database versions not stated): ExAC 0.00001; gnomAD 0.00001; gnomAD exomes 0.00001; 1000 Genomes Project 30x 0.00016; 1000 Genomes Project 0.00020.
gnomAD v4.1: 6 of 1,614,100 alleles (0.00037%); highest among the groups gnomAD compares: East Asian, 0.0045%; no homozygotes.

Submission:

Labcorp Genetics (formerly Invitae), Labcorp
Classification: Uncertain significance for Chédiak-Higashi syndrome. Last evaluated: 2022-03-14. Review status: criteria provided, single submitter. Criteria: Invitae Variant Classification Sherloc (09022015). Collection method: clinical testing. Allele origin: germline.
Comment: This sequence change replaces histidine, which is basic and polar, with arginine, which is basic and polar, at codon 513 of the LYST protein (p.His513Arg). This variant is present in population databases (rs181191579, gnomAD 0.01%). This variant has not been reported in the literature in individuals affected with LYST-related conditions. Algorithms developed to predict the effect of missense changes on protein structure and function are either unavailable or do not agree on the potential impact of this missense change (SIFT: "Tolerated"; PolyPhen-2: "Probably Damaging"; Align-GVGD: "Class C0"). In summary, the available evidence is currently insufficient to determine the role of this variant in disease. Therefore, it has been classified as a Variant of Uncertain Significance.